The following is an entry in ClinVar:

ClinVar aggregate classification (germline): Uncertain significance (1 of 4 stars; one submission).

Allele frequency attached by ClinVar (database versions not stated): ExAC 0.00001; gnomAD exomes 0.00002; TOPMed 0.00002; ESP Exome Variant Server 0.00008.
gnomAD v4.1: 24 of 1,613,406 alleles (0.0015%); highest among the groups gnomAD compares: South Asian, 0.0077%; no homozygotes.

Submission:

Labcorp Genetics (formerly Invitae), Labcorp
Classification: Uncertain significance. Last evaluated: 2022-07-15. Review status: criteria provided, single submitter. Criteria: Invitae Variant Classification Sherloc (09022015). Collection method: clinical testing. Allele origin: germline.
Comment: This sequence change falls in intron 7 of the CAD gene. It does not directly change the encoded amino acid sequence of the CAD protein. It affects a nucleotide within the consensus splice site. This variant is present in population databases (rs373528595, gnomAD 0.006%). This variant has not been reported in the literature in individuals affected with CAD-related conditions. Variants that disrupt the consensus splice site are a relatively common cause of aberrant splicing (PMID: 17576681, 9536098). Algorithms developed to predict the effect of sequence changes on RNA splicing suggest that this variant is not likely to affect RNA splicing. In summary, the available evidence is currently insufficient to determine the role of this variant in disease. Therefore, it has been classified as a Variant of Uncertain Significance.

Literature cited by the submitters: PubMed 17576681; PubMed 9536098.

NM_004341.5(CAD):c.995+6C>T

Gene: CAD (carbamoyl-phosphate synthetase 2, aspartate transcarbamylase, and dihydroorotase; plus strand). Cytogenetic location: 2p23.3.
Variant type: single nucleotide variant.
Coding change: c.995+6C>T on transcript NM_004341.5 (MANE Select); 6 bases into the intron after coding-DNA position 995, C replaced by T.
Molecular consequence: intron variant.
Genome position (GRCh38, 1-based): chr2:27,223,754, C>T. VCF-style: chr2-27223754-C-T. GRCh37 (hg19) VCF-style: chr2-27446622-C-T.
Other names: c.995+6C>T (NM_001306079.2).
Identifiers: ClinVar variation 1925988 (VCV001925988.2), dbSNP rs373528595, ClinGen allele CA1572561.
Genomic context (GRCh38, chr2:27,223,754, plus strand): 5'-ACGCCAATGATGGTTCCAATGAAGGCATTGTGCACAACAGCTTGCCTTTCTTCAGGTGAG[C>T]CTGGTTGACTGGGTCTGTGAAAATTTGAAGCCCTGTGGGCCTTGATGATGGAAAAGTAAA-3'